The following is an entry in ClinVar:

ClinVar aggregate classification (germline): Likely pathogenic (1 of 4 stars; one submission).

Conditions:
Carnitine palmitoyl transferase 1A deficiency. Also called: CPT I DEFICIENCY; CPT DEFICIENCY, HEPATIC, TYPE I; Carnitine palmitoyltransferase type I deficiency; CPT deficiency, hepatic, type IA; Carnitine palmitoyltransferase 1A deficiency. Identifiers: Orphanet 156, MedGen C1829703, MONDO:0009705, OMIM 255120.

Submission:

Myriad Genetics, Inc.
Classification: Likely pathogenic for Carnitine palmitoyl transferase 1A deficiency. Last evaluated: 2022-01-02. Review status: criteria provided, single submitter. Criteria: Myriad Women's Health Autosomal Recessive and X-Linked Classification Criteria (2021). Collection method: clinical testing. Allele origin: unknown.
Comment: NM_001876.3(CPT1A):c.483delA(K161Nfs*23) is expected to be pathogenic in the context of carnitine palmitoyltransferase IA deficiency. This variant is predicted to lead to an abnormal or absent protein product due to the creation of a premature termination codon in CPT1A, a gene where loss-of-function variants are known to be pathogenic. Please note: this variant was assessed in the context of healthy population screening.

NM_001876.4(CPT1A):c.483del (p.Lys161fs)

Gene: CPT1A (carnitine palmitoyltransferase 1A; minus strand). Cytogenetic location: 11q13.3.
Variant type: Deletion.
Coding change: c.483del on transcript NM_001876.4 (MANE Select); coding-DNA position 483, one base deleted (A; older notation c.483delA).
Protein change: p.Lys161fs; shifts the reading frame from lysine 161.
Molecular consequence: frameshift variant.
Genome position (GRCh38, 1-based): chr11:68,804,072, T deleted on the plus strand (A on the coding strand, the reverse complement: CPT1A is on the minus strand); the first of 4 consecutive T bases (chr11:68,804,072-68,804,075); deleting any one gives the same sequence. VCF-style (leftmost placement, unchanged base first): chr11-68804071-GT-G. GRCh37 (hg19) VCF-style: chr11-68571539-GT-G.
Other names: c.483del, p.Lys161fs (NM_001031847.3); short protein forms K161fs.
Identifiers: ClinVar variation 1726764 (VCV001726764.2), dbSNP rs2495650913, ClinGen allele CA2574903445.